The following is an entry in ClinVar:

ClinVar aggregate classification (germline): Uncertain significance. Review status: criteria provided, multiple submitters, no conflicts (2 of 4 stars). 2 submissions from 2 submitters: Uncertain significance (2). Last evaluated 2025-01-16.

Conditions:
Hereditary cancer-predisposing syndrome. Also called: Tumor predisposition; Hereditary neoplastic syndrome; Neoplastic Syndromes, Hereditary; Hereditary Cancer Syndrome. Identifiers: Orphanet 140162, MedGen C0027672, MeSH D009386, MONDO:0015356.
Multiple endocrine neoplasia type 4. Also called: MULTIPLE ENDOCRINE NEOPLASIA, TYPE IV. Identifiers: Orphanet 276152, MedGen C1970712, MONDO:0012552, OMIM 610755.

Allele frequency attached by ClinVar (database versions not stated): TOPMed 0.00001.
gnomAD v4.1: 2 of 1,611,672 alleles (0.00012%); highest among the groups gnomAD compares: Admixed American, 0.0017%; no homozygotes.

Submissions (2):

Ambry Genetics
Classification: Uncertain significance for Hereditary cancer-predisposing syndrome. Last evaluated: 2025-01-16. Review status: criteria provided, single submitter. Criteria: Ambry Variant Classification Scheme 2023. Collection method: clinical testing. Allele origin: germline.
Comment: The p.D132Y variant (also known as c.394G>T), located in coding exon 1 of the CDKN1B gene, results from a G to T substitution at nucleotide position 394. The aspartic acid at codon 132 is replaced by tyrosine, an amino acid with highly dissimilar properties. This amino acid position is conserved. In addition, this alteration is predicted to be tolerated by in silico analysis. Since supporting evidence is limited at this time, the clinical significance of this alteration remains unclear.

Labcorp Genetics (formerly Invitae), Labcorp
Classification: Uncertain significance for Multiple endocrine neoplasia type 4. Last evaluated: 2023-02-26. Review status: criteria provided, single submitter. Criteria: Invitae Variant Classification Sherloc (09022015). Collection method: clinical testing. Allele origin: germline.
Comment: This sequence change replaces aspartic acid, which is acidic and polar, with tyrosine, which is neutral and polar, at codon 132 of the CDKN1B protein (p.Asp132Tyr). In summary, the available evidence is currently insufficient to determine the role of this variant in disease. Therefore, it has been classified as a Variant of Uncertain Significance. An algorithm developed to predict the effect of missense changes on protein structure and function (PolyPhen-2) suggests that this variant is likely to be disruptive. ClinVar contains an entry for this variant (Variation ID: 940862). This variant has not been reported in the literature in individuals affected with CDKN1B-related conditions. This variant is present in population databases (no rsID available, gnomAD 0.003%).

NM_004064.5(CDKN1B):c.394G>T (p.Asp132Tyr)

Gene: CDKN1B (cyclin dependent kinase inhibitor 1B; plus strand). Cytogenetic location: 12p13.1.
Variant type: single nucleotide variant.
Coding change: c.394G>T on transcript NM_004064.5 (MANE Select); coding-DNA position 394, G replaced by T.
Protein change: p.Asp132Tyr; replaces aspartic acid 132 with tyrosine.
Molecular consequence: missense variant.
Genome position (GRCh38, 1-based): chr12:12,718,233, G>T. VCF-style: chr12-12718233-G-T. GRCh37 (hg19) VCF-style: chr12-12871167-G-T.
Other names: short protein forms D132Y.
Identifiers: ClinVar variation 940862 (VCV000940862.13), dbSNP rs760403492, ClinGen allele CA383970585.